The following is an entry in ClinVar:

NM_001349338.3(FOXP1):c.471A>C (p.Gln157His)

Gene: FOXP1 (forkhead box P1; minus strand). Cytogenetic location: 3p13.
Variant type: single nucleotide variant.
Coding change: c.471A>C on transcript NM_001349338.3 (MANE Select); coding-DNA position 471, A replaced by C.
Protein change: p.Gln157His; replaces glutamine 157 with histidine.
Molecular consequence: missense variant. On other transcripts: non-coding transcript variant (2), intron variant (1).
Genome position (GRCh38, 1-based): chr3:71,052,576, T>G on the plus strand (A>C on the coding strand, the complement: FOXP1 is on the minus strand). VCF-style: chr3-71052576-T-G. GRCh37 (hg19) VCF-style: chr3-71101727-T-G.
Other names: c.471A>C, p.Gln157His (NM_001244808.3, NM_001244810.2, NM_001244814.3 and 3 more transcripts); c.171A>C, p.Gln57His (NM_001244813.3, NM_001244815.2, NM_001349342.3 and 1 more transcripts); c.168A>C, p.Gln56His (NM_001349337.2, NM_001349343.3, NM_001349344.3); c.468A>C, p.Gln156His (NM_001349341.3); c.283-5481A>C (NM_001244812.3); short protein forms Q157H, Q156H, Q56H, Q57H.
Identifiers: ClinVar variation 3662743 (VCV003662743.2).

ClinVar aggregate classification (germline): Uncertain significance (1 of 4 stars; one submission).

Submission:

Labcorp Genetics (formerly Invitae), Labcorp
Classification: Uncertain significance. Last evaluated: 2024-08-18. Review status: criteria provided, single submitter. Criteria: Invitae Variant Classification Sherloc (09022015). Collection method: clinical testing. Allele origin: germline.
Comment: This sequence change replaces glutamine, which is neutral and polar, with histidine, which is basic and polar, at codon 157 of the FOXP1 protein (p.Gln157His). This variant is not present in population databases (gnomAD no frequency). This variant has not been reported in the literature in individuals affected with FOXP1-related conditions. Invitae Evidence Modeling of protein sequence and biophysical properties (such as structural, functional, and spatial information, amino acid conservation, physicochemical variation, residue mobility, and thermodynamic stability) indicates that this missense variant is not expected to disrupt FOXP1 protein function with a negative predictive value of 95%. In summary, the available evidence is currently insufficient to determine the role of this variant in disease. Therefore, it has been classified as a Variant of Uncertain Significance.